The following is an entry in ClinVar:

NM_001365480.1(CCDC88A):c.2981G>A (p.Arg994His)

Gene: CCDC88A (coiled-coil domain containing 88A; minus strand). Cytogenetic location: 2p16.1.
Variant type: single nucleotide variant.
Coding change: c.2981G>A on transcript NM_001365480.1 (MANE Select); coding-DNA position 2981, G replaced by A.
Protein change: p.Arg994His; replaces arginine 994 with histidine.
Molecular consequence: missense variant.
Genome position (GRCh38, 1-based): chr2:55,328,310, C>T on the plus strand (G>A on the coding strand, the complement: CCDC88A is on the minus strand). VCF-style: chr2-55328310-C-T. GRCh37 (hg19) VCF-style: chr2-55555446-C-T.
Other names: c.2978G>A, p.Arg993His (NM_001135597.2, NM_001254943.2); c.2981G>A, p.Arg994His (NM_018084.5); c.2978G>A (NM_001135597.1); short protein forms R993H, R994H.
Identifiers: ClinVar variation 1397993 (VCV001397993.6), dbSNP rs373567227, ClinGen allele CA1665883.

ClinVar aggregate classification (germline): Uncertain significance. Review status: criteria provided, multiple submitters, no conflicts (2 of 4 stars). 2 submissions from 2 submitters: Uncertain significance (2). Last evaluated 2025-03-01.

Allele frequency attached by ClinVar (database versions not stated): gnomAD 0.00001.
gnomAD v4.1: 31 of 1,590,164 alleles (0.0019%); highest among the groups gnomAD compares: South Asian, 0.0059%; no homozygotes.

Submissions (2):

Ambry Genetics
Classification: Uncertain significance. Last evaluated: 2025-03-01. Review status: criteria provided, single submitter. Criteria: Ambry Variant Classification Scheme 2023. Collection method: clinical testing. Allele origin: germline.

Labcorp Genetics (formerly Invitae), Labcorp
Classification: Uncertain significance. Last evaluated: 2021-08-14. Review status: criteria provided, single submitter. Criteria: Invitae Variant Classification Sherloc (09022015). Collection method: clinical testing. Allele origin: germline.
Comment: This sequence change replaces arginine with histidine at codon 993 of the CCDC88A protein (p.Arg993His). The arginine residue is highly conserved and there is a small physicochemical difference between arginine and histidine. This variant is present in population databases (rs373567227, ExAC 0.03%). This variant has not been reported in the literature in individuals affected with CCDC88A-related conditions. Algorithms developed to predict the effect of missense changes on protein structure and function are either unavailable or do not agree on the potential impact of this missense change (SIFT: "Deleterious"; PolyPhen-2: "Probably Damaging"; Align-GVGD: "Class C0"). In summary, the available evidence is currently insufficient to determine the role of this variant in disease. Therefore, it has been classified as a Variant of Uncertain Significance.